The following is an entry in ClinVar:

NM_001378778.1(MPDZ):c.5507C>G (p.Ser1836Cys)

Gene: MPDZ (multiple PDZ domain crumbs cell polarity complex component; minus strand). Cytogenetic location: 9p23.
Variant type: single nucleotide variant.
Coding change: c.5507C>G on transcript NM_001378778.1 (MANE Select); coding-DNA position 5507, C replaced by G.
Protein change: p.Ser1836Cys; replaces serine 1836 with cysteine.
Molecular consequence: missense variant.
Genome position (GRCh38, 1-based): chr9:13,113,981, G>C on the plus strand (C>G on the coding strand, the complement: MPDZ is on the minus strand). VCF-style: chr9-13113981-G-C. GRCh37 (hg19) VCF-style: chr9-13113980-G-C.
Other names: c.5408C>G, p.Ser1803Cys (NM_001261406.2, NM_001375416.1, NM_001375417.1 and 1 more transcripts); c.5321C>G, p.Ser1774Cys (NM_001261407.2, NM_001375419.1); c.5507C>G, p.Ser1836Cys (NM_001330637.2); c.5606C>G, p.Ser1869Cys (NM_001375413.1); c.5297C>G, p.Ser1766Cys (NM_001375420.1, NM_001375421.1, NM_001375422.1 and 2 more transcripts); c.5210C>G, p.Ser1737Cys (NM_001375425.1, NM_001375426.1); c.5099C>G, p.Ser1700Cys (NM_001375427.1); c.5420C>G, p.Ser1807Cys (NM_003829.5); short protein forms S1774C, S1836C, S1737C, S1766C, S1700C, S1807C, S1803C, S1869C.
Identifiers: ClinVar variation 1029763 (VCV001029763.1), dbSNP rs755059203, ClinGen allele CA4986240.

ClinVar aggregate classification (germline): Uncertain significance (1 of 4 stars; one submission).

Conditions:
Hydrocephalus, nonsyndromic, autosomal recessive 2. Also called: Hydrocephalus, congenital, 2, with or without brain or eye anomalies. Identifiers: Orphanet 2185, MedGen C3554691, MONDO:0014085, OMIM 615219.

Allele frequency attached by ClinVar (database versions not stated): gnomAD 0.00001; TOPMed below 0.00001; ExAC 0.00002.
gnomAD v4.1: 5 of 1,599,090 alleles (0.00031%); highest among the groups gnomAD compares: Middle Eastern, 0.016%; no homozygotes.

Submission:

Baylor Genetics
Classification: Uncertain significance for Hydrocephalus, nonsyndromic, autosomal recessive 2. Last evaluated: 2020-06-09. Review status: criteria provided, single submitter. Criteria: ACMG Guidelines, 2015. Collection method: clinical testing. Allele origin: unknown. Affected: yes.
Comment: This variant was determined to be of uncertain significance according to ACMG Guidelines, 2015 [PMID:25741868].